The following is an entry in ClinVar:

NM_182914.3(SYNE2):c.3407G>T (p.Arg1136Met)

Gene: SYNE2 (spectrin repeat containing nuclear envelope protein 2; plus strand). Cytogenetic location: 14q23.2.
Variant type: single nucleotide variant.
Coding change: c.3407G>T on transcript NM_182914.3 (MANE Select); coding-DNA position 3407, G replaced by T.
Protein change: p.Arg1136Met; replaces arginine 1136 with methionine.
Molecular consequence: missense variant.
Genome position (GRCh38, 1-based): chr14:63,998,967, G>T. VCF-style: chr14-63998967-G-T. GRCh37 (hg19) VCF-style: chr14-64465685-G-T.
Other names: c.3407G>T (NM_182914.2); c.3407G>T, p.Arg1136Met (NM_015180.6); short protein forms R1136M.
Identifiers: ClinVar variation 1921809 (VCV001921809.10), dbSNP rs770988447, ClinGen allele CA7219956.

ClinVar aggregate classification (germline): Uncertain significance. Review status: criteria provided, multiple submitters, no conflicts (2 of 4 stars). 3 submissions from 3 submitters: Uncertain significance (3). Last evaluated 2025-03-01.

Conditions:
Emery-Dreifuss muscular dystrophy 5, autosomal dominant (EDMD5). Also called: EMERY-DREIFUSS MUSCULAR DYSTROPHY 5. Identifiers: Orphanet 261, MedGen C2751805, MONDO:0013072, OMIM 612999.

Allele frequency attached by ClinVar (database versions not stated): ExAC 0.00002; gnomAD 0.00003; TOPMed 0.00005.
gnomAD v4.1: 15 of 1,613,954 alleles (0.00093%); highest among the groups gnomAD compares: African/African-American, 0.0067%; no homozygotes.

Submissions (3):

Labcorp Genetics (formerly Invitae), Labcorp
Classification: Uncertain significance for Emery-Dreifuss muscular dystrophy 5, autosomal dominant. Last evaluated: 2025-03-01. Review status: criteria provided, single submitter. Criteria: Invitae Variant Classification Sherloc (09022015). Collection method: clinical testing. Allele origin: germline.
Comment: This sequence change replaces arginine, which is basic and polar, with methionine, which is neutral and non-polar, at codon 1136 of the SYNE2 protein (p.Arg1136Met). This variant is present in population databases (rs770988447, gnomAD 0.008%). This variant has not been reported in the literature in individuals affected with SYNE2-related conditions. ClinVar contains an entry for this variant (Variation ID: 1921809). An algorithm developed to predict the effect of missense changes on protein structure and function (PolyPhen-2) suggests that this variant is likely to be disruptive. In summary, the available evidence is currently insufficient to determine the role of this variant in disease. Therefore, it has been classified as a Variant of Uncertain Significance.

Ambry Genetics
Classification: Uncertain significance. Last evaluated: 2024-10-29. Review status: criteria provided, single submitter. Criteria: Ambry Variant Classification Scheme 2023. Collection method: clinical testing. Allele origin: germline.

Revvity Omics, Revvity
Classification: Uncertain significance for Emery-Dreifuss muscular dystrophy 5, autosomal dominant. Last evaluated: 2019-06-13. Review status: criteria provided, single submitter. Criteria: ACMG Guidelines, 2015. Collection method: clinical testing. Allele origin: germline.